The following is an entry in ClinVar:

ClinVar aggregate classification (germline): Benign. Review status: criteria provided, single submitter (1 of 4 stars). 2 submissions from 1 submitter: Benign (2). Last evaluated 2018-01-13.

Conditions:
Chondrocalcinosis 2. Also called: Familial calcium pyrophosphate deposition; CALCIUM GOUT; CALCIUM PYROPHOSPHATE ARTHROPATHY. Identifiers: Orphanet 1416, MedGen C0856830, MONDO:0007319, OMIM 118600.
Craniometaphyseal dysplasia, autosomal dominant (CMDD). Identifiers: Orphanet 1522, MedGen C1852502, MONDO:0007397, OMIM 123000.

Allele frequency attached by ClinVar (database versions not stated): TOPMed 0.00003; 1000 Genomes Project 30x 0.00078; 1000 Genomes Project 0.00100.
gnomAD v4.1: 30 of 152,120 alleles (0.02%); highest among the groups gnomAD compares: East Asian, 0.54%; 1 homozygote.

Submissions (2):

Illumina Laboratory Services, Illumina
Classification: Benign for Craniometaphyseal dysplasia, autosomal dominant. Last evaluated: 2018-01-13. Review status: criteria provided, single submitter. Criteria: ICSL Variant Classification Criteria 13 December 2019. Collection method: clinical testing. Allele origin: germline.
Comment: This variant was observed in the ICSL laboratory as part of a predisposition screen in an ostensibly healthy population. It had not been previously curated by ICSL or reported in the Human Gene Mutation Database (HGMD: prior to June 1st, 2018), and was therefore a candidate for classification through an automated scoring system. Utilizing variant allele frequency, disease prevalence and penetrance estimates, and inheritance mode, an automated score was calculated to assess if this variant is too frequent to cause the disease. Based on the score and internal cut-off values, a variant classified as benign is not then subjected to further curation. The score for this variant resulted in a classification of benign for this disease.

Illumina Laboratory Services, Illumina
Classification: Benign for Chondrocalcinosis 2. Last evaluated: 2018-01-13. Review status: criteria provided, single submitter. Criteria: ICSL Variant Classification Criteria 13 December 2019. Collection method: clinical testing. Allele origin: germline.
Comment: the same text as in the submission from Illumina Laboratory Services, Illumina above.

NM_054027.6(ANKH):c.*1192G>C

Genes: ANKH (ANKH inorganic pyrophosphate transport regulator; minus strand), OTULIN (OTU deubiquitinase with linear linkage specificity; plus strand). Cytogenetic location: 5p15.2.
Variant type: single nucleotide variant.
Coding change: c.*1192G>C on transcript NM_054027.6 (MANE Select); 1192 bases downstream of the stop codon, G replaced by C.
Molecular consequence: 3 prime UTR variant.
Genome position (GRCh38, 1-based): chr5:14,710,005, C>G on the plus strand (G>C on the coding strand, the complement: ANKH is on the minus strand). VCF-style: chr5-14710005-C-G. GRCh37 (hg19) VCF-style: chr5-14710114-C-G.
Identifiers: ClinVar variation 903765 (VCV000903765.4), dbSNP rs138050705, ClinGen allele CA114714526.
Genomic context (GRCh38, chr5:14,710,005, plus strand): 5'-AGGAATTCTGACTAAATCAATTTAGTGAACCGTGTCTATAATTTTTTTAAAGGAAAAAAC[C>G]TGCTTTCCAAAACTTAGAAAAATATACTGCACTGCATGGATTTCGAATGCGTTATTTCAG-3'